The following is an entry in ClinVar:

ClinVar aggregate classification (germline): Uncertain significance. Review status: criteria provided, multiple submitters, no conflicts (2 of 4 stars). 2 submissions from 2 submitters: Uncertain significance (2). Last evaluated 2024-11-23.

Conditions:
Inborn genetic diseases. Identifiers: MedGen C0950123, MeSH D030342.
Glycogen storage disease type III (GSD3). Also called: Cori disease; FORBES DISEASE. Identifiers: Orphanet 366, MedGen C0017922, MONDO:0009291, OMIM 232400.

Allele frequency attached by ClinVar (database versions not stated): gnomAD exomes below 0.00001; ExAC 0.00001; TOPMed 0.00001.
gnomAD v4.1: 2 of 1,614,072 alleles (0.00012%); highest among the groups gnomAD compares: East Asian, 0.0045%; no homozygotes.

Submissions (2):

Labcorp Genetics (formerly Invitae), Labcorp
Classification: Uncertain significance for Glycogen storage disease type III. Last evaluated: 2024-11-23. Review status: criteria provided, single submitter. Criteria: Invitae Variant Classification Sherloc (09022015). Collection method: clinical testing. Allele origin: germline.
Comment: This sequence change replaces tyrosine, which is neutral and polar, with cysteine, which is neutral and slightly polar, at codon 594 of the AGL protein (p.Tyr594Cys). This variant is present in population databases (rs760526774, gnomAD 0.01%). This variant has not been reported in the literature in individuals affected with AGL-related conditions. ClinVar contains an entry for this variant (Variation ID: 2548513). Invitae Evidence Modeling of protein sequence and biophysical properties (such as structural, functional, and spatial information, amino acid conservation, physicochemical variation, residue mobility, and thermodynamic stability) indicates that this missense variant is expected to disrupt AGL protein function with a positive predictive value of 80%. In summary, the available evidence is currently insufficient to determine the role of this variant in disease. Therefore, it has been classified as a Variant of Uncertain Significance.

Ambry Genetics
Classification: Uncertain significance for Inborn genetic diseases. Last evaluated: 2023-05-18. Review status: criteria provided, single submitter. Criteria: Ambry Variant Classification Scheme 2023. Collection method: clinical testing. Allele origin: germline.

NM_000642.3(AGL):c.1781A>G (p.Tyr594Cys)

Gene: AGL (amylo-alpha-1,6-glucosidase and 4-alpha-glucanotransferase; plus strand). Cytogenetic location: 1p21.2.
Variant type: single nucleotide variant.
Coding change: c.1781A>G on transcript NM_000642.3 (MANE Select); coding-DNA position 1781, A replaced by G.
Protein change: p.Tyr594Cys; replaces tyrosine 594 with cysteine.
Molecular consequence: missense variant.
Genome position (GRCh38, 1-based): chr1:99,880,677, A>G. VCF-style: chr1-99880677-A-G. GRCh37 (hg19) VCF-style: chr1-100346233-A-G.
Other names: c.1781A>G, p.Tyr594Cys (NM_000028.3, NM_000643.3, NM_000644.3 and 2 more transcripts); c.1733A>G, p.Tyr578Cys (NM_000646.3); c.1577A>G, p.Tyr526Cys (NM_001425329.1, NM_001425328.1); c.1403A>G, p.Tyr468Cys (NM_001425332.1); c.1580A>G, p.Tyr527Cys (NM_001425327.1); short protein forms Y594C, Y578C, Y468C, Y526C, Y527C.
Identifiers: ClinVar variation 2548513 (VCV002548513.4), dbSNP rs760526774, ClinGen allele CA966591.